The following is an entry in ClinVar:

NM_003001.5(SDHC):c.6T>A (p.Ala2=)

Gene: SDHC (succinate dehydrogenase complex subunit C; plus strand). Cytogenetic location: 1q23.3.
Variant type: single nucleotide variant.
Coding change: c.6T>A on transcript NM_003001.5 (MANE Select); coding-DNA position 6, T replaced by A.
Protein change: p.Ala2=; no amino-acid change (alanine 2 retained).
Molecular consequence: synonymous variant. On other transcripts: 5 prime UTR variant (2), non-coding transcript variant (1).
Genome position (GRCh38, 1-based): chr1:161,314,411, T>A. VCF-style: chr1-161314411-T-A. GRCh37 (hg19) VCF-style: chr1-161284201-T-A.
Other names: c.6T>A, p.Ala2= (NM_001035511.3, NM_001035512.3, NM_001035513.3 and 6 more transcripts); c.-555T>A (NM_001407119.1); c.-224T>A (NM_001407120.1).
Identifiers: ClinVar variation 2946701 (VCV002946701.5), dbSNP rs775353334, ClinGen allele CA421406255.
Genomic context (GRCh38, chr1:161,314,411, plus strand): 5'-CGCCCTCGGGTGGCGGGGCCGCCTGGCGTCACTTCCGTCCAGACCGGAACCCAAGATGGC[T>A]GCGCTGTTGCTGAGGTGACTTCAGTGGGACTGGGAGTTGGTGCCTGCGGCCCTCCGGAGA-3'
Protein context (NP_002992.1, residues 1-12): M[Ala2=]ALLLRHVGRH

ClinVar aggregate classification (germline): Likely benign. Review status: criteria provided, multiple submitters, no conflicts (2 of 4 stars). 3 submissions from 3 submitters: Likely benign (3). Last evaluated 2025-01-15.

Conditions:
Gastrointestinal stromal tumor. Also called: Gastrointestinal stromal tumor, somatic; Gastrointestinal stroma tumor. Identifiers: Orphanet 44890, MedGen C0238198, MeSH D046152, MONDO:0011719, OMIM 606764, HP:0100723.
Pheochromocytoma/paraganglioma syndrome 3. Also called: GLOMUS TUMORS, FAMILIAL, 3; Paragangliomas 3; SDHC-Related Hereditary Paraganglioma-Pheochromocytoma Syndrome (Paragangliomas 3); SDHC-Related Hereditary Paraganglioma-Pheochromocytoma Syndrome. Identifiers: Orphanet 29072, MedGen C1854336, MONDO:0011544, OMIM 605373.
Hereditary cancer-predisposing syndrome. Also called: Neoplastic Syndromes, Hereditary; Hereditary neoplastic syndrome; Tumor predisposition; Hereditary Cancer Syndrome. Identifiers: Orphanet 140162, MedGen C0027672, MeSH D009386, MONDO:0015356.
Hereditary pheochromocytoma and paraganglioma. Also called: Hereditary pheochromocytoma-paraganglioma; Hereditary Paraganglioma-Pheochromocytoma Syndromes; Hereditary paragangliomas and pheochromocytomas. Identifiers: Orphanet 29072, MedGen C4274332, MONDO:0017366.

Submissions (3):

Labcorp Genetics (formerly Invitae), Labcorp
Classification: Likely benign for Pheochromocytoma/paraganglioma syndrome 3; Gastrointestinal stromal tumor. Last evaluated: 2025-01-15. Review status: criteria provided, single submitter. Criteria: Invitae Variant Classification Sherloc (09022015). Collection method: clinical testing. Allele origin: germline.

Ambry Genetics
Classification: Likely benign for Hereditary cancer-predisposing syndrome. Last evaluated: 2024-10-31. Review status: criteria provided, single submitter. Criteria: Ambry Variant Classification Scheme 2023. Collection method: clinical testing. Allele origin: germline.

All of Us Research Program, National Institutes of Health
Classification: Likely benign for Hereditary pheochromocytoma and paraganglioma. Last evaluated: 2023-03-07. Review status: criteria provided, single submitter. Criteria: ACMG Guidelines, 2015. Collection method: clinical testing. Allele origin: germline. Inheritance: Autosomal dominant inheritance. Observed: 1 variant allele, 1 heterozygote.
Comment: This study involves interpretation of variants in research participants for the purpose of population health screening. Participant phenotype was not available at the time of variant classification. Additional details can be found in publication PMID: 35346344, PMCID: PMC8962531